The following is an entry in ClinVar:

NM_024685.4(BBS10):c.1514C>T (p.Pro505Leu)

Gene: BBS10 (Bardet-Biedl syndrome 10; minus strand). Cytogenetic location: 12q21.2.
Variant type: single nucleotide variant.
Coding change: c.1514C>T on transcript NM_024685.4 (MANE Select); coding-DNA position 1514, C replaced by T.
Protein change: p.Pro505Leu; replaces proline 505 with leucine.
Molecular consequence: missense variant.
Genome position (GRCh38, 1-based): chr12:76,346,471, G>A on the plus strand (C>T on the coding strand, the complement: BBS10 is on the minus strand). VCF-style: chr12-76346471-G-A. GRCh37 (hg19) VCF-style: chr12-76740251-G-A.
Other names: c.1514C>T (NM_024685.3); short protein forms P505L.
Identifiers: ClinVar variation 1383469 (VCV001383469.6), dbSNP rs56867176, ClinGen allele CA6694160.

ClinVar aggregate classification (germline): Uncertain significance. Review status: criteria provided, multiple submitters, no conflicts (2 of 4 stars). 3 submissions from 3 submitters: Uncertain significance (3). Last evaluated 2025-12-29.

Conditions:
Bardet-Biedl syndrome (BBS). Identifiers: Orphanet 110, MedGen C0752166, MONDO:0015229.
Bardet-Biedl syndrome 10 (BBS10). Identifiers: Orphanet 110, MedGen C1859568, MONDO:0014438, OMIM 615987.
BBS10-related disorder. Also called: BBS10-related condition.

Allele frequency attached by ClinVar (database versions not stated): gnomAD 0.00005 and 0.00006; TOPMed 0.00005; ExAC 0.00007; ESP Exome Variant Server 0.00008; gnomAD exomes 0.00010 and 0.00017.
gnomAD v4.1: 253 of 1,613,918 alleles (0.016%); highest among the groups gnomAD compares: Non-Finnish European, 0.02%; no homozygotes.

Submissions (3):

PreventionGenetics, part of Exact Sciences
Classification: Uncertain significance for BBS10-related condition. Last evaluated: 2025-12-29. Review status: criteria provided, single submitter. Criteria: ACMG Guidelines, 2015. Collection method: clinical testing. Allele origin: germline.
Comment: The BBS10 c.1514C>T variant is predicted to result in the amino acid substitution p.Pro505Leu. To our knowledge, this variant has not been reported in the literature. This variant is reported in 0.020% of alleles in individuals of European (Non-Finnish) descent in gnomAD. At this time, the clinical significance of this variant is uncertain due to the absence of conclusive functional and genetic evidence.

Labcorp Genetics (formerly Invitae), Labcorp
Classification: Uncertain significance for Bardet-Biedl syndrome. Last evaluated: 2023-12-22. Review status: criteria provided, single submitter. Criteria: Invitae Variant Classification Sherloc (09022015). Collection method: clinical testing. Allele origin: germline.
Comment: This sequence change replaces proline, which is neutral and non-polar, with leucine, which is neutral and non-polar, at codon 505 of the BBS10 protein (p.Pro505Leu). This variant is present in population databases (rs56867176, gnomAD 0.02%). This variant has not been reported in the literature in individuals affected with BBS10-related conditions. ClinVar contains an entry for this variant (Variation ID: 1383469). Advanced modeling of protein sequence and biophysical properties (such as structural, functional, and spatial information, amino acid conservation, physicochemical variation, residue mobility, and thermodynamic stability) performed at Invitae indicates that this missense variant is not expected to disrupt BBS10 protein function with a negative predictive value of 80%. In summary, the available evidence is currently insufficient to determine the role of this variant in disease. Therefore, it has been classified as a Variant of Uncertain Significance.

Fulgent Genetics
Classification: Uncertain significance for Bardet-Biedl syndrome 10. Last evaluated: 2022-04-02. Review status: criteria provided, single submitter. Criteria: ACMG Guidelines, 2015. Collection method: clinical testing. Allele origin: unknown.